The following is an entry in ClinVar:

NM_000379.4(XDH):c.635T>C (p.Phe212Ser)

Gene: XDH (xanthine dehydrogenase; minus strand). Cytogenetic location: 2p23.1.
Variant type: single nucleotide variant.
Coding change: c.635T>C on transcript NM_000379.4 (MANE Select); coding-DNA position 635, T replaced by C.
Protein change: p.Phe212Ser; replaces phenylalanine 212 with serine.
Molecular consequence: missense variant.
Genome position (GRCh38, 1-based): chr2:31,387,827, A>G on the plus strand (T>C on the coding strand, the complement: XDH is on the minus strand). VCF-style: chr2-31387827-A-G. GRCh37 (hg19) VCF-style: chr2-31610693-A-G.
Other names: short protein forms F212S.
Identifiers: ClinVar variation 662020 (VCV000662020.8), dbSNP rs1351096563, ClinGen allele CA346497441.

ClinVar aggregate classification (germline): Uncertain significance (1 of 4 stars; one submission).

Conditions:
Xanthinuria type II. Also called: Xanthine dehydrogenase and aldehyde oxidase combined deficiency of; XDH and AOX dual deficiency. Identifiers: Orphanet 3467, Orphanet 93602, MedGen C1863688, MONDO:0011346, OMIM 603592.

Allele frequency attached by ClinVar (database versions not stated): TOPMed below 0.00001; gnomAD 0.00001.
gnomAD v4.1: 18 of 1,584,484 alleles (0.0011%); highest among the groups gnomAD compares: Non-Finnish European, 0.0014%; no homozygotes.

Submission:

Labcorp Genetics (formerly Invitae), Labcorp
Classification: Uncertain significance for Xanthinuria type II. Last evaluated: 2018-10-23. Review status: criteria provided, single submitter. Criteria: Invitae Variant Classification Sherloc (09022015). Collection method: clinical testing. Allele origin: germline.
Comment: In summary, the available evidence is currently insufficient to determine the role of this variant in disease. Therefore, it has been classified as a Variant of Uncertain Significance. Algorithms developed to predict the effect of missense changes on protein structure and function (SIFT, PolyPhen-2, Align-GVGD) all suggest that this variant is likely to be disruptive, but these predictions have not been confirmed by published functional studies and their clinical significance is uncertain. This variant has not been reported in the literature in individuals with XDH-related disease. This variant is not present in population databases (ExAC no frequency). This sequence change replaces phenylalanine with serine at codon 212 of the XDH protein (p.Phe212Ser). The phenylalanine residue is highly conserved and there is a large physicochemical difference between phenylalanine and serine.